The following is an entry in ClinVar:

NM_000288.4(PEX7):c.77C>T (p.Pro26Leu)

Gene: PEX7 (peroxisomal biogenesis factor 7; plus strand). Cytogenetic location: 6q23.3.
Variant type: single nucleotide variant.
Coding change: c.77C>T on transcript NM_000288.4 (MANE Select); coding-DNA position 77, C replaced by T.
Protein change: p.Pro26Leu; replaces proline 26 with leucine.
Molecular consequence: missense variant.
Genome position (GRCh38, 1-based): chr6:136,822,742, C>T. VCF-style: chr6-136822742-C-T. GRCh37 (hg19) VCF-style: chr6-137143880-C-T.
Other names: short protein forms P26L.
Identifiers: ClinVar variation 1163857 (VCV001163857.8), dbSNP rs1003031615, ClinGen allele CA148640681.

ClinVar aggregate classification (germline): Uncertain significance. Review status: criteria provided, multiple submitters, no conflicts (2 of 4 stars). 3 submissions from 3 submitters: Uncertain significance (3). Last evaluated 2023-10-05.

Conditions:
PEX7-related disorder. Also called: PEX7-related condition; PEX7-related disorders. Identifiers: MedGen CN239409.
Peroxisome biogenesis disorder 9B. Also called: Refsum disease, adult, 2; PEX7-Related Refsum Disease; PEROXISOME BIOGENESIS DISORDER, PEX7-RELATED, ATYPICAL. Identifiers: Orphanet 773, MedGen C2749346, MONDO:0013945, OMIM 614879.

Allele frequency attached by ClinVar (database versions not stated): gnomAD 0.00004; TOPMed 0.00004.
gnomAD v4.1: 59 of 1,496,728 alleles (0.0039%); highest among the groups gnomAD compares: Non-Finnish European, 0.0048%; no homozygotes.

Submissions (3):

PreventionGenetics, part of Exact Sciences
Classification: Uncertain significance for PEX7-related condition. Last evaluated: 2023-10-05. Review status: criteria provided, single submitter. Criteria: ACMG Guidelines, 2015. Collection method: clinical testing. Allele origin: germline.
Comment: The PEX7 c.77C>T variant is predicted to result in the amino acid substitution p.Pro26Leu. This variant was reported in an individual with retinal disease (Whelan et al 2020. PubMed ID: 31963381). This variant is reported in 0.0019% of alleles in individuals of European (Non-Finnish) descent in gnomAD. At this time, the clinical significance of this variant is uncertain due to the absence of conclusive functional and genetic evidence.

Labcorp Genetics (formerly Invitae), Labcorp
Classification: Uncertain significance for Peroxisome biogenesis disorder 9B. Last evaluated: 2022-08-16. Review status: criteria provided, single submitter. Criteria: Invitae Variant Classification Sherloc (09022015). Collection method: clinical testing. Allele origin: germline.
Comment: This sequence change replaces proline, which is neutral and non-polar, with leucine, which is neutral and non-polar, at codon 26 of the PEX7 protein (p.Pro26Leu). This variant is present in population databases (no rsID available, gnomAD 0.002%). This variant has not been reported in the literature in individuals affected with PEX7-related conditions. ClinVar contains an entry for this variant (Variation ID: 1163857). Algorithms developed to predict the effect of missense changes on protein structure and function (SIFT, PolyPhen-2, Align-GVGD) all suggest that this variant is likely to be disruptive. In summary, the available evidence is currently insufficient to determine the role of this variant in disease. Therefore, it has been classified as a Variant of Uncertain Significance.

Mayo Clinic Laboratories, Mayo Clinic
Classification: Uncertain significance. Last evaluated: 2020-03-23. Review status: criteria provided, single submitter. Criteria: ACMG Guidelines, 2015. Collection method: clinical testing. Allele origin: germline. Observed: 1 variant allele.